The following is an entry in ClinVar:

ClinVar aggregate classification (germline): Likely benign (1 of 4 stars; one submission).

Allele frequency attached by ClinVar (database versions not stated): 1000 Genomes Project 30x 0.00203; 1000 Genomes Project 0.00240; gnomAD 0.00305; TOPMed 0.00312; ExAC 0.00388; ESP Exome Variant Server 0.00398; gnomAD exomes 0.00505.
gnomAD v4.1: 7,740 of 1,608,216 alleles (0.48%); highest among the groups gnomAD compares: Non-Finnish European, 0.58%; 32 homozygotes.

Submission:

CeGaT Center for Human Genetics Tuebingen
Classification: Likely benign. Last evaluated: 2023-05-01. Review status: criteria provided, single submitter. Criteria: CeGaT Center For Human Genetics Tuebingen Variant Classification Criteria Version 2. Collection method: clinical testing. Allele origin: germline. Affected: yes. Observed: 1 variant allele.
Comment: SEC16A: BP4, BP7, BS2

NM_014866.2(SEC16A):c.3792C>T (p.Tyr1264=)

Gene: SEC16A (SEC16 homolog A, endoplasmic reticulum export factor; minus strand). Cytogenetic location: 9q34.3.
Variant type: single nucleotide variant.
Coding change: c.3792C>T on transcript NM_014866.2 (MANE Select); coding-DNA position 3792, C replaced by T.
Protein change: p.Tyr1264=; no amino-acid change (tyrosine 1264 retained).
Molecular consequence: synonymous variant.
Genome position (GRCh38, 1-based): chr9:136,468,425, G>A on the plus strand (C>T on the coding strand, the complement: SEC16A is on the minus strand). VCF-style: chr9-136468425-G-A. GRCh37 (hg19) VCF-style: chr9-139362877-G-A.
Other names: c.3792C>T, p.Tyr1264= (NM_001276418.2).
Identifiers: ClinVar variation 2659739 (VCV002659739.24), dbSNP rs140009539, ClinGen allele CA5338519.